The following is an entry in ClinVar:

NM_001267550.2(TTN):c.102352C>T (p.Arg34118Ter)

Genes: TTN (titin; minus strand), TTN-AS1 (TTN antisense RNA 1; plus strand). Cytogenetic location: 2q31.2.
Variant type: single nucleotide variant.
Coding change: c.102352C>T on transcript NM_001267550.2 (MANE Select); coding-DNA position 102352, C replaced by T.
Protein change: p.Arg34118Ter; replaces arginine 34118 with a stop codon.
Molecular consequence: nonsense.
Genome position (GRCh38, 1-based): chr2:178,534,263, G>A on the plus strand (C>T on the coding strand, the complement: TTN is on the minus strand). VCF-style: chr2-178534263-G-A. GRCh37 (hg19) VCF-style: chr2-179398990-G-A.
Other names: p.Arg32477*; c.97429C>T, p.Arg32477Ter (NM_001256850.1); c.75157C>T, p.Arg25053Ter (NM_003319.4); c.94648C>T, p.Arg31550Ter (NM_133378.4); c.75532C>T, p.Arg25178Ter (NM_133432.3); c.75733C>T, p.Arg25245Ter (NM_133437.4); short protein forms R25053*, R25178*, R25245*, R31550*, R32477*, R34118*.
Identifiers: ClinVar variation 1180490 (VCV001180490.12), dbSNP rs1212204584, ClinGen allele CA349417825.

ClinVar aggregate classification (germline): Pathogenic/Likely pathogenic. Review status: criteria provided, multiple submitters, no conflicts (2 of 4 stars). 6 submissions from 6 submitters: Pathogenic (2); Likely pathogenic (4). Last evaluated 2025-08-11.

Conditions:
TTN-related disorder. Also called: TTN-related condition; TTN-related disease; TTN-related disorders.
Dilated cardiomyopathy 1G (CMD1G). Identifiers: Orphanet 154, MedGen C1858763, MONDO:0011400, OMIM 604145.
Autosomal recessive limb-girdle muscular dystrophy type 2J (LGMDR10). Also called: Limb-girdle muscular dystrophy, type 2J; MUSCULAR DYSTROPHY, LIMB-GIRDLE, AUTOSOMAL RECESSIVE 10. Identifiers: Orphanet 140922, MedGen C1837342, MONDO:0012127, OMIM 608807.
Cardiovascular phenotype. Identifiers: MedGen CN230736.

Allele frequency attached by ClinVar (database versions not stated): TOPMed 0.00001.
gnomAD v4.1: 1 of 1,613,856 alleles (0.000062%); highest among the groups gnomAD compares: Non-Finnish European, 0.000085%; no homozygotes.

Submissions (6):

Variantyx, Inc.
Classification: Pathogenic for Dilated cardiomyopathy 1G. Last evaluated: 2025-08-11. Review status: criteria provided, single submitter. Criteria: Variantyx Assertion Criteria 2022. Collection method: clinical testing. Allele origin: germline. Inheritance: Autosomal dominant inheritance. Affected: yes.
Comment: This is a nonsense variant in the TTN gene (OMIM: 188840). Pathogenic variants in this gene have been associated with autosomal dominant dilated cardiomyopathy 1G. This variant introduces a premature termination codon in exon 358 out of 363 and is expected to result in loss of function. The alteration is located in the M band of TTN (PMID: 25589632). Truncating variants in this region that are encoded in constitutive exons (PSI >90%) have been found to be significantly associated with dilated cardiomyopathy (PMID: 25589632, 27869827) (PVS1), and tyhis variant has been reported in at least one affected individual (PMID: 34363016) (PS4). This variant has a 0.0001% maximum allele frequency in non-founder control populations (PM2). Based on the current evidence, this variant is classified as pathogenic for autosomal dominant dilated cardiomyopathy 1G.

Mayo Clinic Laboratories, Mayo Clinic
Classification: Likely pathogenic. Last evaluated: 2025-08-01. Review status: criteria provided, single submitter. Criteria: ACMG Guidelines, 2015. Collection method: clinical testing. Allele origin: germline. Observed: 1 variant allele.
Comment: PM2_supporting, PVS1

Labcorp Genetics (formerly Invitae), Labcorp
Classification: Likely pathogenic for Dilated cardiomyopathy 1G; Autosomal recessive limb-girdle muscular dystrophy type 2J. Last evaluated: 2025-04-07. Review status: criteria provided, single submitter. Criteria: Invitae Variant Classification Sherloc (09022015). Collection method: clinical testing. Allele origin: germline.
Comment: This sequence change creates a premature translational stop signal (p.Arg34118*) in the TTN gene. While this is not anticipated to result in nonsense mediated decay, it is expected to create a truncated TTN protein. This variant is not present in population databases (gnomAD no frequency). This premature translational stop signal has been observed in individual(s) with nonischemic cardiomyopathy (PMID: 34363016). ClinVar contains an entry for this variant (Variation ID: 1180490). This variant is located in the M band of TTN (PMID: 25589632). Truncating variants in this region have been previously reported in individuals affected with autosomal dominant or autosomal recessive myopathy and muscular dystrophy (PMID: 18948003, 23975875, 24395473). Truncating variants in this region have also been identified in individuals affected with autosomal dominant dilated cardiomyopathy and/or cardio-related conditions (PMID: 27869827, 32964742, internal data). In summary, the currently available evidence indicates that the variant is pathogenic, but additional data are needed to prove that conclusively. Therefore, this variant has been classified as Likely Pathogenic.

Ambry Genetics
Classification: Likely pathogenic for Cardiovascular phenotype. Last evaluated: 2025-02-12. Review status: criteria provided, single submitter. Criteria: Ambry Variant Classification Scheme 2023. Collection method: clinical testing. Allele origin: germline.
Comment: The p.R25053* variant (also known as c.75157C>T), located in coding exon 185 of the TTN gene, results from a C to T substitution at nucleotide position 75157. This changes the amino acid from an arginine to a stop codon within coding exon 185. This exon is located in the M-band region of the N2-B isoform of the titin protein and is constitutively expressed in TTN transcripts (percent spliced in or PSI 100%). This alteration is expected to result in loss of function by premature protein truncation or nonsense-mediated mRNA decay. While truncating variants in TTN are present in 1-3% of the general population, truncating variants in the M-band have been reported in association with autosomal recessive titinopathies, primarily presenting with skeletal myopathy phenotypes (Ceyhan-Birsoy O et al. Neurology. 2013 Oct 1;81(14):1205-14; De Cid R et al. Neurology. 2015;85(24):2126-35). In addition, regardless of their position, TTN truncating variants encoded in constitutive exons (PSI >90%) have been found to be significantly associated with dilated cardiomyopathy (DCM), though truncating variants in the A-band are the most common cause of DCM (Herman DS et al. N. Engl. J. Med., 2012 Feb;366:619-28; Roberts AM et al. Sci Transl Med, 2015 Jan;7:270ra6; Schafer S et al. Nat. Genet., 2017 01;49:46-53). Based on the majority of available evidence to date, this variant is likely to be pathogenic in association with autosomal recessive titinopathy; however, the clinical significance of this alteration with respect to cardiomyopathy remains unclear.

Blueprint Genetics
Classification: Pathogenic for TTN-related disorders. Last evaluated: 2022-05-13. Review status: criteria provided, single submitter. Criteria: ACMG Guidelines, 2015. Collection method: clinical testing. Allele origin: germline. Affected: yes. Observed: 2 variant alleles.

Human Genome Sequencing Center Clinical Lab, Baylor College of Medicine
Classification: Likely pathogenic for Dilated cardiomyopathy 1G. Last evaluated: 2019-09-26. Review status: criteria provided, single submitter. Criteria: ACMG Guidelines, 2015. Collection method: clinical testing. Allele origin: germline.
Comment: The c.102352C>T (p.Arg34118Ter) variant in exon 358 of the TTN gene (NM_001267550) is predicted to introduce a premature translational termination codon located at the border between the A and M bands of the gene (PMID: 25589632). This variant is absent from general population databases. Other truncating variants at the border between the A and M bands and in the M band have been previously reported in individuals with tibial muscular dystrophy (TMD) and dilated cardiomyopathy (DCM) who were homozygous, compound heterozygous with a second variant in trans, or heterozygous for the truncating variants (PMID: 18948003, 24395473, 26627873, 25589632, 26735901). Therefore, this c.102352C>T (p.Arg34118Ter) variant is classified as likely pathogenic.

Literature cited by the submitters: PubMed 34363016 (cited by 4 submitters); PubMed 25589632 (cited by Variantyx, Inc. and Labcorp Genetics (formerly Invitae), Labcorp); PubMed 27869827 (cited by Variantyx, Inc. and Labcorp Genetics (formerly Invitae), Labcorp); PubMed 17444505 (cited by Mayo Clinic Laboratories, Mayo Clinic); PubMed 23975875 (cited by Mayo Clinic Laboratories, Mayo Clinic and Labcorp Genetics (formerly Invitae), Labcorp); PubMed 24395473 (cited by Mayo Clinic Laboratories, Mayo Clinic and Labcorp Genetics (formerly Invitae), Labcorp); PubMed 18948003 (cited by Labcorp Genetics (formerly Invitae), Labcorp); PubMed 32964742 (cited by Labcorp Genetics (formerly Invitae), Labcorp).